The following is an entry in ClinVar:

ClinVar aggregate classification (germline): Uncertain significance (1 of 4 stars; one submission).

Conditions:
MHC class I deficiency. Identifiers: Orphanet 34592, MedGen C6024714, MONDO:0011476.

Submission:

Labcorp Genetics (formerly Invitae), Labcorp
Classification: Uncertain significance for MHC class I deficiency 1. Last evaluated: 2021-08-05. Review status: criteria provided, single submitter. Criteria: Invitae Variant Classification Sherloc (09022015). Collection method: clinical testing. Allele origin: germline.
Comment: In summary, the available evidence is currently insufficient to determine the role of this variant in disease. Therefore, it has been classified as a Variant of Uncertain Significance. Experimental studies and prediction algorithms are not available or were not evaluated, and the functional significance of this variant is currently unknown. This variant has not been reported in the literature in individuals with TAP1-related conditions. This variant is not present in population databases (ExAC no frequency). This variant, c.1387_1389del, results in the deletion of 1 amino acid(s) of the TAP1 protein (p.Lys463del), but otherwise preserves the integrity of the reading frame.

NM_000593.6(TAP1):c.1207_1209del (p.Lys403del)

Gene: TAP1 (transporter 1, ATP binding cassette subfamily B member; minus strand). Cytogenetic location: 6p21.32.
Variant type: Deletion.
Coding change: c.1207_1209del on transcript NM_000593.6 (MANE Select); coding-DNA positions 1207 to 1209, 3 bases deleted (AAG; older notation c.1207_1209delAAG).
Protein change: p.Lys403del; deletes lysine 403.
Molecular consequence: inframe deletion.
Genome position (GRCh38, 1-based): chr6:32,850,359-32,850,361, CTT deleted on the plus strand (AAG on the coding strand, the reverse complement: TAP1 is on the minus strand); deleting any 3 consecutive bases within chr6:32,850,359-32,850,363 gives the same sequence; the c. name uses the placement nearest the transcript's 3' end. VCF-style (leftmost placement, unchanged base first): chr6-32850358-CCTT-C. GRCh37 (hg19) VCF-style: chr6-32818135-CCTT-C.
Other names: c.604_606del, p.Lys202del (NM_001292022.2); short protein forms K202del, K403del.
Identifiers: ClinVar variation 1481748 (VCV001481748.8), dbSNP rs2127390231, ClinGen allele CA2573140337.
Genomic context (GRCh38, chr6:32,850,358, plus strand): 5'-GTATTCATCTTCAGGTGCTCACACTAGTGGTCCAGGAGTTGACTGCATAGGCCACAGCCT[CCTT>C]CTGGTTGAGTGTCTTTATTTCTTGCAGCTTTTCCCTAAACTTCTGGGCTTCGCCCTCCTC-3'